The following is an entry in ClinVar:

ClinVar aggregate classification (germline): Uncertain significance. Review status: criteria provided, multiple submitters, no conflicts (2 of 4 stars). 2 submissions from 2 submitters: Uncertain significance (2). Last evaluated 2025-08-04.

Conditions:
Hereditary cancer-predisposing syndrome. Also called: Hereditary neoplastic syndrome; Tumor predisposition; Neoplastic Syndromes, Hereditary; Hereditary Cancer Syndrome. Identifiers: Orphanet 140162, MedGen C0027672, MeSH D009386, MONDO:0015356.
Microcephaly, normal intelligence and immunodeficiency (NBS). Also called: SEEMANOVA SYNDROME II; IMMUNODEFICIENCY, MICROCEPHALY, AND CHROMOSOMAL INSTABILITY; Immunodeficiency, microcephaly with normal intelligence; BERLIN BREAKAGE SYNDROME; Nijmegen breakage syndrome; Microcephaly with normal intelligence immunodeficiency and lymphoreticular malignancies. Identifiers: Orphanet 647, MedGen C0398791, MONDO:0009623, OMIM 251260.

Submissions (2):

Ambry Genetics
Classification: Uncertain significance for Hereditary cancer-predisposing syndrome. Last evaluated: 2025-08-04. Review status: criteria provided, single submitter. Criteria: Ambry Variant Classification Scheme 2023. Collection method: clinical testing. Allele origin: germline.
Comment: The p.E720D variant (also known as c.2160A>C), located in coding exon 14 of the NBN gene, results from an A to C substitution at nucleotide position 2160. The glutamic acid at codon 720 is replaced by aspartic acid, an amino acid with highly similar properties. This amino acid position is conserved. In addition, this alteration is predicted to be tolerated by in silico analysis. Based on the available evidence, the clinical significance of this variant remains unclear.

Labcorp Genetics (formerly Invitae), Labcorp
Classification: Uncertain significance for Microcephaly, normal intelligence and immunodeficiency. Last evaluated: 2022-12-04. Review status: criteria provided, single submitter. Criteria: Invitae Variant Classification Sherloc (09022015). Collection method: clinical testing. Allele origin: germline.
Comment: Algorithms developed to predict the effect of missense changes on protein structure and function are either unavailable or do not agree on the potential impact of this missense change (SIFT: "Tolerated"; PolyPhen-2: "Probably Damaging"; Align-GVGD: "Class C0"). This sequence change replaces glutamic acid, which is acidic and polar, with aspartic acid, which is acidic and polar, at codon 720 of the NBN protein (p.Glu720Asp). This variant is not present in population databases (gnomAD no frequency). This variant has not been reported in the literature in individuals affected with NBN-related conditions. ClinVar contains an entry for this variant (Variation ID: 860587). In summary, the available evidence is currently insufficient to determine the role of this variant in disease. Therefore, it has been classified as a Variant of Uncertain Significance.

NM_002485.5(NBN):c.2160A>C (p.Glu720Asp)

Gene: NBN (nibrin; minus strand). Cytogenetic location: 8q21.3.
Variant type: single nucleotide variant.
Coding change: c.2160A>C on transcript NM_002485.5 (MANE Select); coding-DNA position 2160, A replaced by C.
Protein change: p.Glu720Asp; replaces glutamic acid 720 with aspartic acid.
Molecular consequence: missense variant.
Genome position (GRCh38, 1-based): chr8:89,943,277, T>G on the plus strand (A>C on the coding strand, the complement: NBN is on the minus strand). VCF-style: chr8-89943277-T-G. GRCh37 (hg19) VCF-style: chr8-90955505-T-G.
Other names: c.1914A>C, p.Glu638Asp (NM_001024688.3); short protein forms E720D, E638D.
Identifiers: ClinVar variation 860587 (VCV000860587.10), dbSNP rs1810032277, ClinGen allele CA371675367.